The following is an entry in ClinVar:

ClinVar aggregate classification (germline): Uncertain significance (1 of 4 stars; one submission).

Allele frequency attached by ClinVar (database versions not stated): gnomAD exomes below 0.00001; TOPMed 0.00001.
gnomAD v4.1: 6 of 1,613,822 alleles (0.00037%); highest among the groups gnomAD compares: Non-Finnish European, 0.00042%; no homozygotes.

Submission:

Labcorp Genetics (formerly Invitae), Labcorp
Classification: Uncertain significance. Last evaluated: 2022-07-21. Review status: criteria provided, single submitter. Criteria: Invitae Variant Classification Sherloc (09022015). Collection method: clinical testing. Allele origin: germline.
Comment: This sequence change replaces aspartic acid, which is acidic and polar, with valine, which is neutral and non-polar, at codon 646 of the COL7A1 protein (p.Asp646Val). This variant is not present in population databases (gnomAD no frequency). This variant has not been reported in the literature in individuals affected with COL7A1-related conditions. Advanced modeling of protein sequence and biophysical properties (such as structural, functional, and spatial information, amino acid conservation, physicochemical variation, residue mobility, and thermodynamic stability) performed at Invitae indicates that this missense variant is not expected to disrupt COL7A1 protein function. In summary, the available evidence is currently insufficient to determine the role of this variant in disease. Therefore, it has been classified as a Variant of Uncertain Significance.

NM_000094.4(COL7A1):c.1937A>T (p.Asp646Val)

Gene: COL7A1 (collagen type VII alpha 1 chain; minus strand). Cytogenetic location: 3p21.31.
Variant type: single nucleotide variant.
Coding change: c.1937A>T on transcript NM_000094.4 (MANE Select); coding-DNA position 1937, A replaced by T.
Protein change: p.Asp646Val; replaces aspartic acid 646 with valine.
Molecular consequence: missense variant.
Genome position (GRCh38, 1-based): chr3:48,590,326, T>A on the plus strand (A>T on the coding strand, the complement: COL7A1 is on the minus strand). VCF-style: chr3-48590326-T-A. GRCh37 (hg19) VCF-style: chr3-48627759-T-A.
Other names: short protein forms D646V.
Identifiers: ClinVar variation 2152979 (VCV002152979.1), dbSNP rs1559431562, ClinGen allele CA352727140.
Genomic context (GRCh38, chr3:48,590,326, plus strand): 5'-GACACAGCCACCTGGTAGGTGGTTCCAGGCTGCAGCCCTGTGATGTCTGTGGCAGTAGAG[T>A]CTGGGGGCAGTGTCTGGCTGGACTCCGGACCTGAGGTCAGAGGGAAATGCTGGCATGGCT-3'
Protein context (NP_000085.1, residues 636-656): GPESSQTLPP[Asp646Val]STATDITGLQ